The following is an entry in ClinVar:

ClinVar aggregate classification (germline): Uncertain significance (1 of 4 stars; one submission).

Conditions:
Migraine, with or without aura, susceptibility to, 13. Also called: MIGRAINE WITH AURA, SUSCEPTIBILITY TO, 13. Identifiers: MedGen C4225479, MONDO:0013344, OMIM 613656.

Submission:

Laboratorio de Genetica e Diagnostico Molecular, Hospital Israelita Albert Einstein
Classification: Uncertain significance for Migraine, with or without aura, susceptibility to, 13. Last evaluated: 2025-06-20. Review status: criteria provided, single submitter. Criteria: ACMG Guidelines, 2015. Collection method: clinical testing. Allele origin: germline. Affected: yes.
Comment: ACMG classification criteria: PM2 supporting, BP4 supporting

NM_181840.1(KCNK18):c.319C>T (p.Leu107Phe)

Gene: KCNK18 (potassium two pore domain channel subfamily K member 18; plus strand). Cytogenetic location: 10q25.3.
Variant type: single nucleotide variant.
Coding change: c.319C>T on transcript NM_181840.1 (MANE Select); coding-DNA position 319, C replaced by T.
Protein change: p.Leu107Phe; replaces leucine 107 with phenylalanine.
Molecular consequence: missense variant.
Genome position (GRCh38, 1-based): chr10:117,201,254, C>T. VCF-style: chr10-117201254-C-T. GRCh37 (hg19) VCF-style: chr10-118960765-C-T.
Other names: short protein forms L107F.
Identifiers: ClinVar variation 4846829 (VCV004846829.1).
Genomic context (GRCh38, chr10:117,201,254, plus strand): 5'-CTGCAGAAGGTGAAGCCTCAGTGGTTTAACAGGACCACACACTGGTCCTTCCTGAGCTCG[C>T]TCTTTTTCTGCTGCACGGTGTTCAGCACCGTGGGTAAGTGCAAAGCCACAGTCCCCCTCA-3'
Protein context (NP_862823.1, residues 97-117): RTTHWSFLSS[Leu107Phe]FFCCTVFSTV